The following is an entry in ClinVar:

NM_001388459.1(FRMPD3):c.4059T>C (p.Arg1353=)

Gene: FRMPD3 (FERM and PDZ domain containing 3; plus strand). Cytogenetic location: Xq22.3.
Variant type: single nucleotide variant.
Coding change: c.4059T>C on transcript NM_001388459.1 (MANE Select); coding-DNA position 4059, T replaced by C.
Protein change: p.Arg1353=; no amino-acid change (arginine 1353 retained).
Molecular consequence: synonymous variant.
Genome position (GRCh38, 1-based): chrX:107,602,098, T>C. VCF-style: chrX-107602098-T-C. GRCh37 (hg19) VCF-style: chrX-106845328-T-C.
Other names: c.3654T>C, p.Arg1218= (NM_001388462.1); c.4158T>C, p.Arg1386= (NM_032428.2).
Identifiers: ClinVar variation 2661149 (VCV002661149.24), dbSNP rs2521251580, ClinGen allele CA518099773.

ClinVar aggregate classification (germline): Likely benign (1 of 4 stars; one submission).

Allele frequency attached by ClinVar (database versions not stated): gnomAD exomes below 0.00001.
gnomAD v4.1: 2 of 1,208,336 alleles (0.00017%); highest among the groups gnomAD compares: Non-Finnish European, 0.00022%; no homozygotes.

Submission:

CeGaT Center for Human Genetics Tuebingen
Classification: Likely benign. Last evaluated: 2022-11-01. Review status: criteria provided, single submitter. Criteria: CeGaT Center For Human Genetics Tuebingen Variant Classification Criteria Version 2. Collection method: clinical testing. Allele origin: germline. Affected: yes. Observed: 1 variant allele.
Comment: FRMPD3: PM2:Supporting, BP4, BP7